The following is an entry in ClinVar:

ClinVar aggregate classification (germline): Uncertain significance (0 of 4 stars; one submission).

Conditions:
CACNA1A-related disorder. Also called: CACNA1A-related condition.

gnomAD v4.1: 4 of 1,553,868 alleles (0.00026%); highest among the groups gnomAD compares: East Asian, 0.0024%; no homozygotes.

Submission:

PreventionGenetics, part of Exact Sciences
Classification: Uncertain significance for CACNA1A-related condition. Last evaluated: 2024-05-22. Review status: no assertion criteria provided. Collection method: clinical testing. Allele origin: germline.
Comment: The CACNA1A c.7469C>A variant is predicted to result in the amino acid substitution p.Ser2490Tyr. To our knowledge, this variant has not been reported in the literature or in a large population database, indicating this variant is rare. At this time, the clinical significance of this variant is uncertain due to the absence of conclusive functional and genetic evidence.

NM_001127222.2(CACNA1A):c.7469C>A (p.Ser2490Tyr)

Gene: CACNA1A (calcium voltage-gated channel subunit alpha1 A; minus strand). Cytogenetic location: 19p13.13.
Variant type: single nucleotide variant.
Coding change: c.7469C>A on transcript NM_001127222.2 (MANE Select); coding-DNA position 7469, C replaced by A.
Protein change: p.Ser2490Tyr; replaces serine 2490 with tyrosine.
Molecular consequence: missense variant. On other transcripts: 3 prime UTR variant (3).
Genome position (GRCh38, 1-based): chr19:13,207,365, G>T on the plus strand (C>A on the coding strand, the complement: CACNA1A is on the minus strand). VCF-style: chr19-13207365-G-T. GRCh37 (hg19) VCF-style: chr19-13318179-G-T.
Other names: c.*681C>A (NM_000068.4, NM_001127221.2, NM_001174080.2); c.7487C>A, p.Ser2496Tyr (NM_023035.3); short protein forms S2490Y, S2496Y.
Identifiers: ClinVar variation 3345003 (VCV003345003.1).